The following is an entry in ClinVar:

ClinVar aggregate classification (germline): Uncertain significance (1 of 4 stars; one submission).

Conditions:
Orthostatic hypotension 1 (ORTHYP1). Also called: Orthostatic hypotension 1, due to DBH deficiency; Dopamine beta-hydroxylase deficiency; NORADRENALINE DEFICIENCY; NOREPINEPHRINE DEFICIENCY. Identifiers: Orphanet 230, MedGen C4746777, MONDO:0009123, OMIM 223360.

gnomAD v4.1: 16 of 1,603,764 alleles (0.001%); highest among the groups gnomAD compares: South Asian, 0.0011%; no homozygotes.

Submission:

Labcorp Genetics (formerly Invitae), Labcorp
Classification: Uncertain significance for Orthostatic hypotension 1. Last evaluated: 2022-04-28. Review status: criteria provided, single submitter. Criteria: Invitae Variant Classification Sherloc (09022015). Collection method: clinical testing. Allele origin: germline.
Comment: This sequence change falls in intron 3 of the DBH gene. It does not directly change the encoded amino acid sequence of the DBH protein. It affects a nucleotide within the consensus splice site. This variant is not present in population databases (gnomAD no frequency). This variant has not been reported in the literature in individuals affected with DBH-related conditions. Variants that disrupt the consensus splice site are a relatively common cause of aberrant splicing (PMID: 17576681, 9536098). Algorithms developed to predict the effect of sequence changes on RNA splicing suggest that this variant is not likely to affect RNA splicing. In summary, the available evidence is currently insufficient to determine the role of this variant in disease. Therefore, it has been classified as a Variant of Uncertain Significance.

Literature cited by the submitters: PubMed 17576681; PubMed 9536098.

NM_000787.4(DBH):c.744+5G>T

Gene: DBH (dopamine beta-hydroxylase; plus strand). Cytogenetic location: 9q34.2.
Variant type: single nucleotide variant.
Coding change: c.744+5G>T on transcript NM_000787.4 (MANE Select); 5 bases into the intron after coding-DNA position 744, G replaced by T.
Molecular consequence: intron variant.
Genome position (GRCh38, 1-based): chr9:133,642,469, G>T. VCF-style: chr9-133642469-G-T. GRCh37 (hg19) VCF-style: chr9-136507591-G-T.
Identifiers: ClinVar variation 2075722 (VCV002075722.4), dbSNP rs372683052, ClinGen allele CA860775341.